The following is an entry in ClinVar:

ClinVar aggregate classification (germline): Uncertain significance (1 of 4 stars; one submission).

Conditions:
Developmental and epileptic encephalopathy. Identifiers: MedGen C5779964, MONDO:0100620.

Allele frequency attached by ClinVar (database versions not stated): gnomAD below 0.00001 and 0.00001; gnomAD exomes 0.00003.

Submission:

Labcorp Genetics (formerly Invitae), Labcorp
Classification: Uncertain significance for Early-infantile DEE. Last evaluated: 2022-04-01. Review status: criteria provided, single submitter. Criteria: Invitae Variant Classification Sherloc (09022015). Collection method: clinical testing. Allele origin: germline.
Comment: This sequence change replaces proline, which is neutral and non-polar, with serine, which is neutral and polar, at codon 21 of the CACNA2D2 protein (p.Pro21Ser). This variant is not present in population databases (gnomAD no frequency). This variant has not been reported in the literature in individuals affected with CACNA2D2-related conditions. ClinVar contains an entry for this variant (Variation ID: 657726). Algorithms developed to predict the effect of missense changes on protein structure and function output the following: SIFT: "Deleterious"; PolyPhen-2: "Not Available"; Align-GVGD: "Class C0". The serine amino acid residue is found in multiple mammalian species, which suggests that this missense change does not adversely affect protein function. In summary, the available evidence is currently insufficient to determine the role of this variant in disease. Therefore, it has been classified as a Variant of Uncertain Significance.

NM_006030.4(CACNA2D2):c.61C>T (p.Pro21Ser)

Gene: CACNA2D2 (calcium voltage-gated channel auxiliary subunit alpha2delta 2; minus strand). Cytogenetic location: 3p21.31.
Variant type: single nucleotide variant.
Coding change: c.61C>T on transcript NM_006030.4 (MANE Select); coding-DNA position 61, C replaced by T.
Protein change: p.Pro21Ser; replaces proline 21 with serine.
Molecular consequence: missense variant. On other transcripts: intron variant (1).
Genome position (GRCh38, 1-based): chr3:50,503,363, G>A on the plus strand (C>T on the coding strand, the complement: CACNA2D2 is on the minus strand). VCF-style: chr3-50503363-G-A. GRCh37 (hg19) VCF-style: chr3-50540794-G-A.
Other names: c.61C>T, p.Pro21Ser (NM_001005505.3, NM_001174051.3); c.-2+706C>T (NM_001291101.1); short protein forms P21S.
Identifiers: ClinVar variation 657726 (VCV000657726.4), dbSNP rs1575799173, ClinGen allele CA353000455.
Genomic context (GRCh38, chr3:50,503,363, plus strand): 5'-GGGGCCCGGACGTCGGGCGCCGGGTGCCGGGGCCAGGGTGGGGGCCGCAGCCGGGCCAGG[G>A]GCGCGCAGTCCGCGCTGGGCCGGGCCGAGAGGCGCCGCAGGTCCGAGCCGGCACCGCCAT-3'
Protein context (NP_006021.2, residues 11-31): SRPGPARTAR[Pro21Ser]WPGCGPHPGP